The following is an entry in ClinVar:

ClinVar aggregate classification (germline): Pathogenic/Likely pathogenic. Review status: criteria provided, multiple submitters, no conflicts (2 of 4 stars). 8 submissions from 8 submitters: Pathogenic (7); Likely pathogenic (1). Last evaluated 2025-12-22.

Conditions:
Autosomal recessive limb-girdle muscular dystrophy type 2L (LGMDR12). Also called: Limb-girdle muscular dystrophy, type 2L; Limb-Girdle Muscular Dystrophy R12 Anoctamin-5-Related (LGMD-R12); MUSCULAR DYSTROPHY, LIMB-GIRDLE, AUTOSOMAL RECESSIVE 12. Identifiers: Orphanet 206549, MedGen C1969785, MONDO:0012652, OMIM 611307.
Gnathodiaphyseal dysplasia (GDD). Also called: GNATHODIAPHYSEAL SCLEROSIS; OSTEOGENESIS IMPERFECTA WITH UNUSUAL SKELETAL LESIONS. Identifiers: Orphanet 53697, MedGen C1833736, MONDO:0008151, OMIM 166260.
Autosomal recessive limb-girdle muscular dystrophy. Identifiers: Orphanet 102015, MedGen C2931907, MONDO:0015152.
Miyoshi muscular dystrophy 3 (MMD3). Also called: Miyoshi Muscular Dystrophy 3 (MMD3); Miyoshi myopathy 3. Identifiers: Orphanet 399096, MedGen C2750076, MONDO:0013222, OMIM 613319.

Submissions (8):

Labcorp Genetics (formerly Invitae), Labcorp
Classification: Pathogenic for Autosomal recessive limb-girdle muscular dystrophy type 2L; Gnathodiaphyseal dysplasia. Last evaluated: 2025-12-22. Review status: criteria provided, single submitter. Criteria: Invitae Variant Classification Sherloc (09022015). Collection method: clinical testing. Allele origin: germline.
Comment: This sequence change creates a premature translational stop signal (p.Leu669Phefs*6) in the ANO5 gene. It is expected to result in an absent or disrupted protein product. Loss-of-function variants in ANO5 are known to be pathogenic (PMID: 21186264, 23606453, 25891276, 30919934). This variant is present in population databases (no rsID available, gnomAD 0.003%). This premature translational stop signal has been observed in individual(s) with ANO5-related muscular dystrophy (PMID: 23663589). In at least one individual the data is consistent with being in trans (on the opposite chromosome) from a pathogenic variant. ClinVar contains an entry for this variant (Variation ID: 285669). For these reasons, this variant has been classified as Pathogenic.

Mayo Clinic Laboratories, Mayo Clinic
Classification: Pathogenic. Last evaluated: 2025-01-21. Review status: criteria provided, single submitter. Criteria: ACMG Guidelines, 2015. Collection method: clinical testing. Allele origin: germline. Observed: 1 variant allele.
Comment: PM2_supporting, PM3_supporting, PVS1

Women's Health and Genetics/Laboratory Corporation of America, LabCorp
Classification: Pathogenic for Autosomal recessive limb-girdle muscular dystrophy. Last evaluated: 2024-03-01. Review status: criteria provided, single submitter. Criteria: LabCorp Variant Classification Summary - May 2015. Collection method: clinical testing. Allele origin: germline.
Comment: Variant summary: ANO5 c.2004delG (p.Leu669PhefsX6) results in a premature termination codon, predicted to cause a truncation of the encoded protein or absence of the protein due to nonsense mediated decay, which are commonly known mechanisms for disease. The variant allele was found at a frequency of 1.2e-05 in 251436 control chromosomes. c.2004delG has been reported in the literature in compound heterozygous individuals affected with ANO5 muscular dystrophy (e.g. Liewluck_2013). These data indicate that the variant may be associated with disease. To our knowledge, no experimental evidence demonstrating an impact on protein function has been reported. The following publication has been ascertained in the context of this evaluation (PMID: 23663589). ClinVar contains an entry for this variant (Variation ID: 285669). Based on the evidence outlined above, the variant was classified as pathogenic.

Fulgent Genetics
Classification: Likely pathogenic for Gnathodiaphyseal dysplasia; Autosomal recessive limb-girdle muscular dystrophy type 2L; Miyoshi muscular dystrophy 3. Last evaluated: 2024-01-23. Review status: criteria provided, single submitter. Criteria: ACMG Guidelines, 2015. Collection method: clinical testing. Allele origin: germline.

GeneDx
Classification: Pathogenic. Last evaluated: 2022-02-05. Review status: criteria provided, single submitter. Criteria: GeneDx Variant Classification Process June 2021. Collection method: clinical testing. Allele origin: germline. Affected: yes.
Comment: Reported as pathogenic in ClinVar (ref; ClinVar SCV000617770; Landrum et al., 2016); Frameshift variant predicted to result in protein truncation or nonsense mediated decay in a gene for which loss-of-function is a known mechanism of disease; Not observed at significant frequency in large population cohorts (gnomAD); This variant is associated with the following publications: (PMID: 28888072, 23663589)

Revvity Omics, Revvity
Classification: Pathogenic. Last evaluated: 2019-06-25. Review status: criteria provided, single submitter. Criteria: ACMG Guidelines, 2015. Collection method: clinical testing. Allele origin: germline.

Baylor Genetics
Classification: Pathogenic for Miyoshi muscular dystrophy 3. Last evaluated: 2018-07-09. Review status: criteria provided, single submitter. Criteria: ACMG Guidelines, 2015. Collection method: clinical testing. Allele origin: paternal. Affected: yes.
Comment: This variant was determined to be pathogenic according to ACMG Guidelines, 2015 [PMID:25741868].

Eurofins Ntd Llc (ga)
Classification: Pathogenic. Last evaluated: 2017-04-19. Review status: criteria provided, single submitter. Criteria: EGL Classification Definitions 2015. Collection method: clinical testing. Allele origin: germline. Observed: 4 variant alleles, 2 heterozygotes, 2 homozygotes.

Literature cited by the submitters: PubMed 21186264 (cited by Labcorp Genetics (formerly Invitae), Labcorp); PubMed 23606453 (cited by Labcorp Genetics (formerly Invitae), Labcorp); PubMed 25891276 (cited by Labcorp Genetics (formerly Invitae), Labcorp); PubMed 30919934 (cited by Labcorp Genetics (formerly Invitae), Labcorp); PubMed 23663589 (cited by 3 submitters).

NM_213599.3(ANO5):c.2004del (p.Leu669fs)

Gene: ANO5 (anoctamin 5; plus strand). Cytogenetic location: 11p14.3.
Variant type: Deletion.
Coding change: c.2004del on transcript NM_213599.3 (MANE Select); coding-DNA position 2004, one base deleted (G; older notation c.2004delG).
Protein change: p.Leu669fs; shifts the reading frame from leucine 669.
Molecular consequence: frameshift variant.
Genome position (GRCh38, 1-based): chr11:22,270,417, G deleted; the last of 3 consecutive G bases (chr11:22,270,415-22,270,417); deleting any one gives the same sequence. VCF-style (leftmost placement, unchanged base first): chr11-22270414-TG-T. GRCh37 (hg19) VCF-style: chr11-22291960-TG-T.
Other names: p.Leu669Phefs*6; c.2004delG (NM_213599.2, NM_213599.3); c.2001del, p.Leu668fs (NM_001142649.2); short protein forms L668fs, L669fs.
Identifiers: ClinVar variation 285669 (VCV000285669.23), dbSNP rs886043172, ClinGen allele CA10605199.